The following is an entry in ClinVar:

ClinVar aggregate classification (germline): Uncertain significance (1 of 4 stars; one submission).

Conditions:
Familial cancer of breast. Also called: hereditary breast carcinoma; BREAST CANCER, FAMILIAL; Hereditary breast cancer. Identifiers: Orphanet 227535, MedGen C0346153, MONDO:0016419, OMIM 114480. Disease mechanism: loss of function.

Submission:

Labcorp Genetics (formerly Invitae), Labcorp
Classification: Uncertain significance for Familial cancer of breast. Last evaluated: 2023-06-05. Review status: criteria provided, single submitter. Criteria: Invitae Variant Classification Sherloc (09022015). Collection method: clinical testing. Allele origin: germline.
Comment: This sequence change falls in intron 4 of the PALB2 gene. It does not directly change the encoded amino acid sequence of the PALB2 protein. It affects a nucleotide within the consensus splice site. This variant is not present in population databases (gnomAD no frequency). In summary, the available evidence is currently insufficient to determine the role of this variant in disease. Therefore, it has been classified as a Variant of Uncertain Significance. Variants that disrupt the consensus splice site are a relatively common cause of aberrant splicing (PMID: 17576681, 9536098). Studies have shown that this variant is associated with altered splicing resulting in multiple RNA products (PMID: 34846068). This variant has been observed in individual(s) with breast cancer (PMID: 34846068).

Literature cited by the submitters: PubMed 17576681; PubMed 9536098; PubMed 34846068.

NM_024675.4(PALB2):c.1684+4A>G

Gene: PALB2 (partner and localizer of BRCA2; minus strand). Cytogenetic location: 16p12.2.
Variant type: single nucleotide variant.
Coding change: c.1684+4A>G on transcript NM_024675.4 (MANE Select); 4 bases into the intron after coding-DNA position 1684, A replaced by G.
Molecular consequence: intron variant.
Genome position (GRCh38, 1-based): chr16:23,634,858, T>C on the plus strand (A>G on the coding strand, the complement: PALB2 is on the minus strand). VCF-style: chr16-23634858-T-C. GRCh37 (hg19) VCF-style: chr16-23646179-T-C.
Other names: c.799+4A>G (NM_001407308.1, NM_001407306.1, NM_001407307.1 and 5 more transcripts); c.49-5583A>G (NM_001407314.1); c.-104-4389A>G (NM_001407313.1, NM_001407312.1); c.1624+4A>G (NM_001407296.1); c.1684+4A>G (NM_001407297.1, NM_001407302.1, NM_001407298.1 and 3 more transcripts).
Identifiers: ClinVar variation 2770036 (VCV002770036.3), dbSNP rs1057523145, ClinGen allele CA2695222939.
Genomic context (GRCh38, chr16:23,634,858, plus strand): 5'-AGGCAAATAGTAATTGTTAACTTTCATCATCATCATCATCATCATCAAACACATCTTGAT[T>C]TACCTTTCACTTGAATAAATAATTTTTCGTGCTGATATTTGTGTGAGGTGACTTCTTCCT-3'